The following is an entry in ClinVar:

NM_201384.3(PLEC):c.790C>T (p.Arg264Cys)

Gene: PLEC (plectin; minus strand). Cytogenetic location: 8q24.3.
Variant type: single nucleotide variant.
Coding change: c.790C>T on transcript NM_201384.3 (MANE Select); coding-DNA position 790, C replaced by T.
Protein change: p.Arg264Cys; replaces arginine 264 with cysteine.
Molecular consequence: missense variant.
Genome position (GRCh38, 1-based): chr8:143,935,046, G>A on the plus strand (C>T on the coding strand, the complement: PLEC is on the minus strand). VCF-style: chr8-143935046-G-A. GRCh37 (hg19) VCF-style: chr8-145009214-G-A.
Other names: c.871C>T (NM_000445.4); c.871C>T, p.Arg291Cys (NM_000445.5, NM_001410941.1); c.748C>T, p.Arg250Cys (NM_201378.4); c.724C>T, p.Arg242Cys (NM_201379.3); c.1201C>T, p.Arg401Cys (NM_201380.4); c.694C>T, p.Arg232Cys (NM_201381.3); c.790C>T, p.Arg264Cys (NM_201382.4); c.802C>T, p.Arg268Cys (NM_201383.3); short protein forms R291C, R242C, R268C, R232C, R264C, R250C, R401C.
Identifiers: ClinVar variation 2927998 (VCV002927998.4), dbSNP rs781947126, ClinGen allele CA4928318.

ClinVar aggregate classification (germline): Uncertain significance. Review status: criteria provided, multiple submitters, no conflicts (2 of 4 stars). 2 submissions from 2 submitters: Uncertain significance (2). Last evaluated 2026-06-16.

Conditions:
PLEC-related disorder. Also called: PLEC-related condition; PLEC-related disorders.
Epidermolysis bullosa simplex, Ogna type (EBS5A). Also called: Pidermolysis bullosa simplex 5A, Ogna type; EPIDERMOLYSIS BULLOSA SIMPLEX 5A, OGNA TYPE. Identifiers: Orphanet 79401, MedGen C0432317, MONDO:0007555, OMIM 131950.
Autosomal recessive limb-girdle muscular dystrophy type 2Q (LGMDR17). Also called: MUSCULAR DYSTROPHY, LIMB-GIRDLE, AUTOSOMAL RECESSIVE 17. Identifiers: Orphanet 254361, MedGen C3150989, MONDO:0013390, OMIM 613723.
Epidermolysis bullosa simplex with nail dystrophy (EBS5D). Identifiers: MedGen C4225309, MONDO:0014661, OMIM 616487.
Epidermolysis bullosa simplex 5C, with pyloric atresia (EBS5C). Also called: PLEC-Related Epidermolysis Bullosa with Pyloric Atresia; Epidermolysis bullosa simplex with pyloric atresia; PLEC1-Related Epidermolysis Bullosa with Pyloric Atresia. Identifiers: Orphanet 158684, MedGen C2677349, MONDO:0012807, OMIM 612138.
Epidermolysis bullosa simplex 5B, with muscular dystrophy (EBS5B). Also called: Epidermolysis bullosa simplex with muscular dystrophy; EPIDERMOLYSIS BULLOSA SIMPLEX AND LIMB-GIRDLE MUSCULAR DYSTROPHY. Identifiers: Orphanet 257, MedGen C2931072, MONDO:0009181, OMIM 226670.

Allele frequency attached by ClinVar (database versions not stated): TOPMed 0.00001; gnomAD exomes below 0.00001; ExAC 0.00001; gnomAD 0.00001.
gnomAD v4.1: 7 of 1,612,650 alleles (0.00043%); highest among the groups gnomAD compares: Admixed American, 0.0033%; no homozygotes.

Submissions (2):

PreventionGenetics, part of Exact Sciences
Classification: Uncertain significance for PLEC-related condition. Last evaluated: 2026-06-16. Review status: criteria provided, single submitter. Criteria: ACMG Guidelines, 2015. Collection method: clinical testing. Allele origin: germline.
Comment: The PLEC c.871C>T variant is predicted to result in the amino acid substitution p.Arg291Cys. To our knowledge, this variant has not been reported in the literature in association with PLEC-related disease. This variant is reported in 0.0033% of alleles in individuals of South Asian descent in gnomAD. At this time, the clinical significance of this variant is uncertain due to the absence of conclusive functional and genetic evidence.

Labcorp Genetics (formerly Invitae), Labcorp
Classification: Uncertain significance for Autosomal recessive limb-girdle muscular dystrophy type 2Q; Epidermolysis bullosa simplex, Ogna type; Epidermolysis bullosa simplex with nail dystrophy; Epidermolysis bullosa simplex 5C, with pyloric atresia; Epidermolysis bullosa simplex 5B, with muscular dystrophy. Last evaluated: 2024-11-04. Review status: criteria provided, single submitter. Criteria: Invitae Variant Classification Sherloc (09022015). Collection method: clinical testing. Allele origin: germline.
Comment: This sequence change replaces arginine, which is basic and polar, with cysteine, which is neutral and slightly polar, at codon 291 of the PLEC protein (p.Arg291Cys). This variant is present in population databases (rs781947126, gnomAD 0.003%). This variant has not been reported in the literature in individuals affected with PLEC-related conditions. ClinVar contains an entry for this variant (Variation ID: 2927998). Experimental studies and prediction algorithms are not available or were not evaluated, and the functional significance of this variant is currently unknown. In summary, the available evidence is currently insufficient to determine the role of this variant in disease. Therefore, it has been classified as a Variant of Uncertain Significance.